The following is an entry in ClinVar:

ClinVar aggregate classification (germline): Pathogenic (1 of 4 stars; one submission).

Conditions:
Primary ciliary dyskinesia. Also called: Ciliary dyskinesia. Identifiers: Orphanet 244, MedGen C0008780, MONDO:0016575, HP:0012265.

Allele frequency attached by ClinVar (database versions not stated): ExAC 0.00001; TOPMed 0.00001; gnomAD exomes 0.00002.

Submission:

Labcorp Genetics (formerly Invitae), Labcorp
Classification: Pathogenic for Primary ciliary dyskinesia. Last evaluated: 2024-05-13. Review status: criteria provided, single submitter. Criteria: Invitae Variant Classification Sherloc (09022015). Collection method: clinical testing. Allele origin: germline.
Comment: This sequence change creates a premature translational stop signal (p.Glu2028Valfs*6) in the DNAH8 gene. It is expected to result in an absent or disrupted protein product. Loss-of-function variants in DNAH8 are known to be pathogenic (PMID: 24307375, 32619401, 32681648). This variant is present in population databases (rs777912337, gnomAD 0.002%). This variant has not been reported in the literature in individuals affected with DNAH8-related conditions. Algorithms developed to predict the effect of sequence changes on RNA splicing suggest that this variant may disrupt the consensus splice site. For these reasons, this variant has been classified as Pathogenic.

Literature cited by the submitters: PubMed 24307375; PubMed 32619401; PubMed 32681648.

NM_001206927.2(DNAH8):c.6083_6084del (p.Glu2028fs)

Gene: DNAH8 (dynein axonemal heavy chain 8; plus strand). Cytogenetic location: 6p21.2.
Variant type: Deletion.
Coding change: c.6083_6084del on transcript NM_001206927.2 (MANE Select); coding-DNA positions 6083 to 6084, 2 bases deleted (AA; older notation c.6083_6084delAA).
Protein change: p.Glu2028fs; shifts the reading frame from glutamic acid 2028.
Molecular consequence: frameshift variant.
Genome position (GRCh38, 1-based): chr6:38,860,581-38,860,582, AA deleted. VCF-style (leftmost placement, unchanged base first): chr6-38860580-GAA-G. GRCh37 (hg19) VCF-style: chr6-38828356-GAA-G.
Other names: c.5432_5433del, p.Glu1811fs (NM_001371.4); short protein forms E1811fs, E2028fs.
Identifiers: ClinVar variation 2907871 (VCV002907871.3), dbSNP rs777912337, ClinGen allele CA3789558.